The following is an entry in ClinVar:

ClinVar aggregate classification (germline): Uncertain significance (1 of 4 stars; one submission).

Conditions:
Cardiovascular phenotype. Identifiers: MedGen CN230736.

Submission:

Ambry Genetics
Classification: Uncertain significance for Cardiovascular phenotype. Last evaluated: 2023-12-11. Review status: criteria provided, single submitter. Criteria: Ambry Variant Classification Scheme 2023. Collection method: clinical testing. Allele origin: germline.
Comment: The p.W274R variant (also known as c.820T>C), located in coding exon 6 of the ACVRL1 gene, results from a T to C substitution at nucleotide position 820. The tryptophan at codon 274 is replaced by arginine, an amino acid with dissimilar properties. This amino acid position is highly conserved in available vertebrate species. In addition, this alteration is predicted to be deleterious by in silico analysis. Since supporting evidence is limited at this time, the clinical significance of this alteration remains unclear.

NM_000020.3(ACVRL1):c.820T>C (p.Trp274Arg)

Gene: ACVRL1 (activin A receptor like type 1; plus strand). Cytogenetic location: 12q13.13.
Variant type: single nucleotide variant.
Coding change: c.820T>C on transcript NM_000020.3 (MANE Select); coding-DNA position 820, T replaced by C.
Protein change: p.Trp274Arg; replaces tryptophan 274 with arginine.
Molecular consequence: missense variant.
Genome position (GRCh38, 1-based): chr12:51,915,272, T>C. VCF-style: chr12-51915272-T-C. GRCh37 (hg19) VCF-style: chr12-52309056-T-C.
Other names: c.820T>C, p.Trp274Arg (NM_001077401.2, NM_001406487.1, NM_001406488.1 and 1 more transcripts); c.508T>C, p.Trp170Arg (NM_001406490.1, NM_001406491.1, NM_001406492.1 and 2 more transcripts); c.256T>C, p.Trp86Arg (NM_001406495.1); short protein forms W170R, W274R, W86R.
Identifiers: ClinVar variation 3230550 (VCV003230550.1), dbSNP rs2540164165, ClinGen allele CA384900439.